The following is an entry in ClinVar:

NM_020937.4(FANCM):c.2002+5A>G

Gene: FANCM (FA complementation group M; plus strand). Cytogenetic location: 14q21.2.
Variant type: single nucleotide variant.
Coding change: c.2002+5A>G on transcript NM_020937.4 (MANE Select); 5 bases into the intron after coding-DNA position 2002, A replaced by G.
Molecular consequence: intron variant. On other transcripts: synonymous variant (1).
Genome position (GRCh38, 1-based): chr14:45,167,168, A>G. VCF-style: chr14-45167168-A-G. GRCh37 (hg19) VCF-style: chr14-45636371-A-G.
Other names: c.2007A>G, p.Lys669= (NM_001308134.2); c.1924+5A>G (NM_001308133.2); c.2007A>G (NM_001308134.1).
Identifiers: ClinVar variation 956168 (VCV000956168.14), dbSNP rs1888042696, ClinGen allele CA962640334.

ClinVar aggregate classification (germline): Conflicting classifications of pathogenicity. Review status: criteria provided, conflicting classifications (1 of 4 stars). 3 submissions from 3 submitters: Uncertain significance (1); Likely benign (1). 1 of the submissions does not count toward it. Last evaluated 2024-05-06.

Conditions:
Fanconi anemia (FA). Also called: Fanconi's anemia. Identifiers: Orphanet 84, MedGen C0015625, MeSH D005199, MONDO:0019391.
FANCM-related disorder. Also called: FANCM-related condition.

Allele frequency attached by ClinVar (database versions not stated): gnomAD 0.00001; gnomAD exomes 0.00001; TOPMed 0.00001.
gnomAD v4.1: 14 of 1,580,086 alleles (0.00089%); highest among the groups gnomAD compares: Non-Finnish European, 0.0012%; no homozygotes.

Submissions (3):

Labcorp Genetics (formerly Invitae), Labcorp
Classification: Uncertain significance for Fanconi anemia. Last evaluated: 2024-05-06. Review status: criteria provided, single submitter. Criteria: Invitae Variant Classification Sherloc (09022015). Collection method: clinical testing. Allele origin: germline.
Comment: This sequence change falls in intron 11 of the FANCM gene. It does not directly change the encoded amino acid sequence of the FANCM protein. It affects a nucleotide within the consensus splice site. This variant is not present in population databases (gnomAD no frequency). This variant has not been reported in the literature in individuals affected with FANCM-related conditions. ClinVar contains an entry for this variant (Variation ID: 956168). Variants that disrupt the consensus splice site are a relatively common cause of aberrant splicing (PMID: 17576681, 9536098). Algorithms developed to predict the effect of sequence changes on RNA splicing suggest that this variant is not likely to affect RNA splicing. In summary, the available evidence is currently insufficient to determine the role of this variant in disease. Therefore, it has been classified as a Variant of Uncertain Significance.

GeneDx
Classification: Likely benign. Last evaluated: 2020-09-18. Review status: criteria provided, single submitter. Criteria: GeneDx Variant Classification Process June 2021. Collection method: clinical testing. Allele origin: germline. Affected: yes.

PreventionGenetics, part of Exact Sciences
Classification: Likely benign for FANCM-related condition. Last evaluated: 2022-03-28. Review status: no assertion criteria provided. Collection method: clinical testing. Allele origin: germline. Not counted in ClinVar's aggregate classification.
Comment: This variant is classified as likely benign based on ACMG/AMP sequence variant interpretation guidelines (Richards et al. 2015 PMID: 25741868, with internal and published modifications).

Literature cited by the submitters: PubMed 17576681 (cited by Labcorp Genetics (formerly Invitae), Labcorp); PubMed 9536098 (cited by Labcorp Genetics (formerly Invitae), Labcorp).